The following is an entry in ClinVar:

ClinVar aggregate classification (germline): Benign/Likely benign. Review status: criteria provided, multiple submitters, no conflicts (2 of 4 stars). 5 submissions from 5 submitters: Benign (1); Likely benign (4). Last evaluated 2025-11-10.

Conditions:
Hereditary cancer-predisposing syndrome. Also called: Hereditary neoplastic syndrome; Tumor predisposition; Hereditary Cancer Syndrome; Neoplastic Syndromes, Hereditary. Identifiers: Orphanet 140162, MedGen C0027672, MeSH D009386, MONDO:0015356.
Familial adenomatous polyposis 1 (FAP1). Also called: FAMILIAL ADENOMATOUS POLYPOSIS 1, ATTENUATED; POLYPOSIS, ADENOMATOUS INTESTINAL. Identifiers: MedGen C2713442, MONDO:0021056, OMIM 175100. Disease mechanism: loss of function.

Allele frequency attached by ClinVar (database versions not stated): gnomAD exomes below 0.00001.
gnomAD v4.1: 2 of 1,614,160 alleles (0.00012%); highest among the groups gnomAD compares: Non-Finnish European, 0.00017%; no homozygotes.

Submissions (5):

Labcorp Genetics (formerly Invitae), Labcorp
Classification: Likely benign for Familial adenomatous polyposis 1. Last evaluated: 2025-11-10. Review status: criteria provided, single submitter. Criteria: Invitae Variant Classification Sherloc (09022015). Collection method: clinical testing. Allele origin: germline.

Center for Genomic Medicine, Rigshospitalet, Copenhagen University Hospital
Classification: Likely benign. Last evaluated: 2025-03-04. Review status: criteria provided, single submitter. Criteria: ACMG Guidelines, 2015. Collection method: clinical testing. Allele origin: germline.

Myriad Genetics, Inc.
Classification: Benign for Familial adenomatous polyposis 1. Last evaluated: 2024-03-28. Review status: criteria provided, single submitter. Criteria: Myriad Autosomal Dominant, Autosomal Recessive and X-Linked Classification Criteria (2023). Collection method: clinical testing. Allele origin: unknown.
Comment: This variant is considered benign. This variant is a silent/synonymous amino acid change and it is not expected to impact splicing.

Color Diagnostics, LLC DBA Color Health
Classification: Likely benign for Hereditary cancer-predisposing syndrome. Last evaluated: 2023-10-25. Review status: criteria provided, single submitter. Criteria: ACMG Guidelines, 2015. Collection method: clinical testing. Allele origin: germline.

Ambry Genetics
Classification: Likely benign for Hereditary cancer-predisposing syndrome. Last evaluated: 2020-09-14. Review status: criteria provided, single submitter. Criteria: Ambry Variant Classification Scheme 2023. Collection method: clinical testing. Allele origin: germline.

NM_000038.6(APC):c.4965A>G (p.Thr1655=)

Gene: APC (APC regulator of Wnt signaling pathway; plus strand). Cytogenetic location: 5q22.2.
Variant type: single nucleotide variant.
Coding change: c.4965A>G on transcript NM_000038.6 (MANE Select); coding-DNA position 4965, A replaced by G.
Protein change: p.Thr1655=; no amino-acid change (threonine 1655 retained).
Molecular consequence: synonymous variant.
Genome position (GRCh38, 1-based): chr5:112,840,559, A>G. VCF-style: chr5-112840559-A-G. GRCh37 (hg19) VCF-style: chr5-112176256-A-G.
Other names: c.4965A>G, p.Thr1655= (NM_001127510.3, NM_001354895.2); c.4911A>G, p.Thr1637= (NM_001127511.3); c.5019A>G, p.Thr1673= (NM_001354896.2); c.4995A>G, p.Thr1665= (NM_001354897.2); c.4890A>G, p.Thr1630= (NM_001354898.2); c.4881A>G, p.Thr1627= (NM_001354899.2); c.4842A>G, p.Thr1614= (NM_001354900.2); c.4788A>G, p.Thr1596= (NM_001354901.2); and 5 more.
Identifiers: ClinVar variation 219989 (VCV000219989.18), dbSNP rs863224282, ClinGen allele CA350636.